The following is an entry in ClinVar:

ClinVar aggregate classification (germline): Uncertain significance. Review status: criteria provided, multiple submitters, no conflicts (2 of 4 stars). 3 submissions from 3 submitters: Uncertain significance (3). Last evaluated 2023-10-24.

Conditions:
Bethlem myopathy 1A. Also called: MYOPATHY, BENIGN CONGENITAL, WITH CONTRACTURES; Bethlem myopathy 1; Bethlem Muscular Dystrophy. Identifiers: Orphanet 610, MedGen CN029274, MONDO:0024530, OMIM 158810.
Inborn genetic diseases. Identifiers: MedGen C0950123, MeSH D030342.

Allele frequency attached by ClinVar (database versions not stated): gnomAD 0.00001; gnomAD exomes 0.00001; ExAC 0.00005.
gnomAD v4.1: 14 of 1,612,408 alleles (0.00087%); highest among the groups gnomAD compares: East Asian, 0.0022%; no homozygotes.

Submissions (3):

Labcorp Genetics (formerly Invitae), Labcorp
Classification: Uncertain significance for Bethlem myopathy 1A. Last evaluated: 2023-10-24. Review status: criteria provided, single submitter. Criteria: Invitae Variant Classification Sherloc (09022015). Collection method: clinical testing. Allele origin: germline.
Comment: This sequence change replaces arginine, which is basic and polar, with histidine, which is basic and polar, at codon 380 of the COL6A2 protein (p.Arg380His). This variant is present in population databases (rs750118927, gnomAD 0.006%). This variant has not been reported in the literature in individuals affected with COL6A2-related conditions. ClinVar contains an entry for this variant (Variation ID: 2440405). Advanced modeling of protein sequence and biophysical properties (such as structural, functional, and spatial information, amino acid conservation, physicochemical variation, residue mobility, and thermodynamic stability) performed at Invitae indicates that this missense variant is expected to disrupt COL6A2 protein function with a positive predictive value of 80%. In summary, the available evidence is currently insufficient to determine the role of this variant in disease. Therefore, it has been classified as a Variant of Uncertain Significance.

Ambry Genetics
Classification: Uncertain significance for Inborn genetic diseases. Last evaluated: 2023-07-25. Review status: criteria provided, single submitter. Criteria: Ambry Variant Classification Scheme 2023. Collection method: clinical testing. Allele origin: germline.

Revvity Omics, Revvity
Classification: Uncertain significance. Last evaluated: 2019-08-30. Review status: criteria provided, single submitter. Criteria: ACMG Guidelines, 2015. Collection method: clinical testing. Allele origin: germline.

NM_001849.4(COL6A2):c.1139G>A (p.Arg380His)

Gene: COL6A2 (collagen type VI alpha 2 chain; plus strand). Cytogenetic location: 21q22.3.
Variant type: single nucleotide variant.
Coding change: c.1139G>A on transcript NM_001849.4 (MANE Select); coding-DNA position 1139, G replaced by A.
Protein change: p.Arg380His; replaces arginine 380 with histidine.
Molecular consequence: missense variant.
Genome position (GRCh38, 1-based): chr21:46,118,636, G>A. VCF-style: chr21-46118636-G-A. GRCh37 (hg19) VCF-style: chr21-47538550-G-A.
Other names: c.1139G>A, p.Arg380His (NM_058174.3, NM_058175.3); short protein forms R380H.
Identifiers: ClinVar variation 2440405 (VCV002440405.8), dbSNP rs750118927, ClinGen allele CA10071718.